The following is an entry in ClinVar:

NM_005751.5(AKAP9):c.4882G>A (p.Glu1628Lys)

Gene: AKAP9 (A-kinase anchoring protein 9; plus strand). Cytogenetic location: 7q21.2.
Variant type: single nucleotide variant.
Coding change: c.4882G>A on transcript NM_005751.5 (MANE Select); coding-DNA position 4882, G replaced by A.
Protein change: p.Glu1628Lys; replaces glutamic acid 1628 with lysine.
Molecular consequence: missense variant.
Genome position (GRCh38, 1-based): chr7:92,040,863, G>A. VCF-style: chr7-92040863-G-A. GRCh37 (hg19) VCF-style: chr7-91670177-G-A.
Other names: p.Glu1628Lys; c.4882G>A, p.Glu1628Lys (NM_147185.3); short protein forms E1628K.
Identifiers: ClinVar variation 2419738 (VCV002419738.6), dbSNP rs1356051712, ClinGen allele CA368129796.

ClinVar aggregate classification (germline): Uncertain significance. Review status: criteria provided, multiple submitters, no conflicts (2 of 4 stars). 2 submissions from 2 submitters: Uncertain significance (2). Last evaluated 2022-09-24.

Conditions:
Long QT syndrome (LQTS). Identifiers: MedGen C0023976, MeSH D008133, MONDO:0002442. Disease mechanism: loss of function. Inheritance: Various modes of inheritance.

Submissions (2):

Labcorp Genetics (formerly Invitae), Labcorp
Classification: Uncertain significance for Long QT syndrome. Last evaluated: 2022-09-24. Review status: criteria provided, single submitter. Criteria: Invitae Variant Classification Sherloc (09022015). Collection method: clinical testing. Allele origin: germline.
Comment: This variant is not present in population databases (gnomAD no frequency). This sequence change replaces glutamic acid, which is acidic and polar, with lysine, which is basic and polar, at codon 1628 of the AKAP9 protein (p.Glu1628Lys). This variant has not been reported in the literature in individuals affected with AKAP9-related conditions. Algorithms developed to predict the effect of missense changes on protein structure and function are either unavailable or do not agree on the potential impact of this missense change (SIFT: "Tolerated"; PolyPhen-2: "Probably Damaging"; Align-GVGD: "Class C0"). In summary, the available evidence is currently insufficient to determine the role of this variant in disease. Therefore, it has been classified as a Variant of Uncertain Significance.

Mayo Clinic Laboratories, Mayo Clinic
Classification: Uncertain significance. Last evaluated: 2022-05-13. Review status: criteria provided, single submitter. Criteria: ACMG Guidelines, 2015. Collection method: clinical testing. Allele origin: germline. Observed: 1 variant allele.
Comment: BP4, PM2_supporting